The following is an entry in ClinVar:

NM_004360.5(CDH1):c.1623C>G (p.Ala541=)

Gene: CDH1 (cadherin 1; plus strand). Cytogenetic location: 16q22.1.
Variant type: single nucleotide variant.
Coding change: c.1623C>G on transcript NM_004360.5 (MANE Select); coding-DNA position 1623, C replaced by G.
Protein change: p.Ala541=; no amino-acid change (alanine 541 retained).
Molecular consequence: synonymous variant. On other transcripts: intron variant (1).
Genome position (GRCh38, 1-based): chr16:68,819,337, C>G. VCF-style: chr16-68819337-C-G. GRCh37 (hg19) VCF-style: chr16-68853240-C-G.
Other names: c.1440C>G, p.Ala480= (NM_001317184.2); c.75C>G, p.Ala25= (NM_001317185.2); c.-254-2664C>G (NM_001317186.2).
Identifiers: ClinVar variation 1552375 (VCV001552375.11), dbSNP rs376662384, ClinGen allele CA8130115.

ClinVar aggregate classification (germline): Benign/Likely benign. Review status: criteria provided, multiple submitters, no conflicts (2 of 4 stars). 3 submissions from 3 submitters: Benign (1); Likely benign (2). Last evaluated 2024-09-19.

Conditions:
Hereditary diffuse gastric adenocarcinoma (HDGC). Also called: DIFFUSE GASTRIC AND LOBULAR BREAST CANCER SYNDROME. Identifiers: Orphanet 26106, MedGen C1708349, MONDO:0007648, OMIM 137215.
Hereditary cancer-predisposing syndrome. Also called: Neoplastic Syndromes, Hereditary; Tumor predisposition; Hereditary neoplastic syndrome; Hereditary Cancer Syndrome. Identifiers: Orphanet 140162, MedGen C0027672, MeSH D009386, MONDO:0015356.

Allele frequency attached by ClinVar (database versions not stated): ExAC 0.00001; ESP Exome Variant Server 0.00008.

Submissions (3):

Myriad Genetics, Inc.
Classification: Benign for Hereditary diffuse gastric adenocarcinoma. Last evaluated: 2024-09-19. Review status: criteria provided, single submitter. Criteria: Myriad Autosomal Dominant, Autosomal Recessive and X-Linked Classification Criteria (2023). Collection method: clinical testing. Allele origin: unknown.
Comment: This variant is considered benign. This variant is a silent/synonymous amino acid change and it is not expected to impact splicing.

Labcorp Genetics (formerly Invitae), Labcorp
Classification: Likely benign for Hereditary diffuse gastric adenocarcinoma. Last evaluated: 2024-09-08. Review status: criteria provided, single submitter. Criteria: Invitae Variant Classification Sherloc (09022015). Collection method: clinical testing. Allele origin: germline.

Ambry Genetics
Classification: Likely benign for Hereditary cancer-predisposing syndrome. Last evaluated: 2021-01-10. Review status: criteria provided, single submitter. Criteria: Ambry Variant Classification Scheme 2023. Collection method: clinical testing. Allele origin: germline.